The following is an entry in ClinVar:

ClinVar aggregate classification (germline): Uncertain significance (1 of 4 stars; one submission).

Conditions:
Left ventricular noncompaction 8 (LVNC8). Identifiers: Orphanet 154, Orphanet 54260, MedGen C3809288, MONDO:0014152, OMIM 615373.

Allele frequency attached by ClinVar (database versions not stated): gnomAD exomes below 0.00001 and 0.00001; gnomAD 0.00001 and 0.00003; TOPMed 0.00002.
gnomAD v4.1: 11 of 1,613,360 alleles (0.00068%); highest among the groups gnomAD compares: African/African-American, 0.012%; no homozygotes.

Submission:

Labcorp Genetics (formerly Invitae), Labcorp
Classification: Uncertain significance for Left ventricular noncompaction 8. Last evaluated: 2025-11-19. Review status: criteria provided, single submitter. Criteria: Invitae Variant Classification Sherloc (09022015). Collection method: clinical testing. Allele origin: germline.
Comment: This sequence change affects an acceptor splice site in intron 3 of the PRDM16 gene. It is expected to disrupt RNA splicing. Variants that disrupt the donor or acceptor splice site typically lead to a loss of protein function (PMID: 16199547), however the current clinical and genetic evidence is not sufficient to establish whether loss-of-function variants in PRDM16 cause disease. This variant is present in population databases (no rsID available, gnomAD 0.007%). This variant has not been reported in the literature in individuals affected with PRDM16-related conditions. ClinVar contains an entry for this variant (Variation ID: 1016917). Algorithms developed to predict the effect of sequence changes on RNA splicing suggest that this variant may disrupt the consensus splice site. In summary, the available evidence is currently insufficient to determine the role of this variant in disease. Therefore, it has been classified as a Variant of Uncertain Significance.

Literature cited by the submitters: PubMed 16199547.

NM_022114.4(PRDM16):c.439-1G>C

Gene: PRDM16 (PR/SET domain 16; plus strand). Cytogenetic location: 1p36.32.
Variant type: single nucleotide variant.
Coding change: c.439-1G>C on transcript NM_022114.4 (MANE Select); the canonical splice acceptor site of the intron before coding-DNA position 439, G replaced by C.
Molecular consequence: splice acceptor variant.
Genome position (GRCh38, 1-based): chr1:3,385,151, G>C. VCF-style: chr1-3385151-G-C. GRCh37 (hg19) VCF-style: chr1-3301715-G-C.
Other names: c.439-1G>C (NM_199454.3).
Identifiers: ClinVar variation 1016917 (VCV001016917.7), dbSNP rs891879209, ClinGen allele CA17000319.